The following is an entry in ClinVar:

NM_212482.4(FN1):c.2702_2703delinsTT (p.Thr901Ile)

Gene: FN1 (fibronectin 1; minus strand). Cytogenetic location: 2q35.
Variant type: Indel.
Coding change: c.2702_2703delinsTT on transcript NM_212482.4 (MANE Select); coding-DNA positions 2702 to 2703, CC replaced by TT.
Protein change: p.Thr901Ile; replaces threonine 901 with isoleucine.
Molecular consequence: missense variant.
Genome position (GRCh38, 1-based): chr2:215,407,137-215,407,138, GG replaced by AA on the plus strand (CC replaced by TT on the coding strand, the reverse complement: FN1 is on the minus strand). VCF-style: chr2-215407137-GG-AA. GRCh37 (hg19) VCF-style: chr2-216271860-GG-AA.
Other names: c.2702_2703delinsTT, p.Thr901Ile (NM_001306129.2, NM_001306130.2, NM_001306131.2 and 13 more transcripts); short protein forms T901I.
Identifiers: ClinVar variation 1365588 (VCV001365588.6), dbSNP rs2106270582, ClinGen allele CA2573135241.

ClinVar aggregate classification (germline): Uncertain significance (1 of 4 stars; one submission).

Submission:

Labcorp Genetics (formerly Invitae), Labcorp
Classification: Uncertain significance. Last evaluated: 2021-08-11. Review status: criteria provided, single submitter. Criteria: Invitae Variant Classification Sherloc (09022015). Collection method: clinical testing. Allele origin: germline.
Comment: In summary, the available evidence is currently insufficient to determine the role of this variant in disease. Therefore, it has been classified as a Variant of Uncertain Significance. Algorithms developed to predict the effect of missense changes on protein structure and function are either unavailable or do not agree on the potential impact of this missense change (SIFT: "Not Available"; PolyPhen-2: "Benign"; Align-GVGD: "Not Available"). This variant has not been reported in the literature in individuals affected with FN1-related conditions. This sequence change replaces threonine with isoleucine at codon 901 of the FN1 protein (p.Thr901Ile). The threonine residue is weakly conserved and there is a moderate physicochemical difference between threonine and isoleucine.